The following is an entry in ClinVar:

ClinVar aggregate classification (germline): Pathogenic/Likely pathogenic. Review status: criteria provided, multiple submitters, no conflicts (2 of 4 stars). 3 submissions from 3 submitters: Pathogenic (2); Likely pathogenic (1). Last evaluated 2023-06-16.

Conditions:
Familial cancer of breast. Also called: BREAST CANCER, FAMILIAL; Hereditary breast cancer; hereditary breast carcinoma. Identifiers: Orphanet 227535, MedGen C0346153, MONDO:0016419, OMIM 114480. Disease mechanism: loss of function.
Hereditary cancer-predisposing syndrome. Also called: Neoplastic Syndromes, Hereditary; Hereditary Cancer Syndrome; Tumor predisposition; Hereditary neoplastic syndrome. Identifiers: Orphanet 140162, MedGen C0027672, MeSH D009386, MONDO:0015356.

Submissions (3):

Baylor Genetics
Classification: Likely pathogenic for Familial cancer of breast. Last evaluated: 2023-06-16. Review status: criteria provided, single submitter. Criteria: ACMG Guidelines, 2015. Collection method: clinical testing. Allele origin: unknown.

Labcorp Genetics (formerly Invitae), Labcorp
Classification: Pathogenic for Familial cancer of breast. Last evaluated: 2023-05-30. Review status: criteria provided, single submitter. Criteria: Invitae Variant Classification Sherloc (09022015). Collection method: clinical testing. Allele origin: germline.
Comment: This sequence change creates a premature translational stop signal (p.Lys311*) in the PALB2 gene. It is expected to result in an absent or disrupted protein product. Loss-of-function variants in PALB2 are known to be pathogenic (PMID: 17200668, 17200671, 17200672, 24136930, 25099575). This variant is not present in population databases (gnomAD no frequency). This variant has not been reported in the literature in individuals affected with PALB2-related conditions. ClinVar contains an entry for this variant (Variation ID: 402311). For these reasons, this variant has been classified as Pathogenic.

Ambry Genetics
Classification: Pathogenic for Hereditary cancer-predisposing syndrome. Last evaluated: 2016-01-29. Review status: criteria provided, single submitter. Criteria: Ambry Variant Classification Scheme 2023. Collection method: clinical testing. Allele origin: germline.
Comment: The p.K311* pathogenic mutation (also known as c.931A>T), located in coding exon 4 of the PALB2 gene, results from an A to T substitution at nucleotide position 931. This changes the amino acid from a lysine to a stop codon within coding exon 4. Since premature stop codons are typically deleterious in nature, this alteration is interpreted as a disease-causing mutation (ACMG Recommendations for Standards for Interpretation and Reporting of Sequence Variations. Revision 2007. Genet Med. 2008;10:294).

Literature cited by the submitters: PubMed 17200668 (cited by Labcorp Genetics (formerly Invitae), Labcorp); PubMed 17200671 (cited by Labcorp Genetics (formerly Invitae), Labcorp); PubMed 17200672 (cited by Labcorp Genetics (formerly Invitae), Labcorp); PubMed 24136930 (cited by Labcorp Genetics (formerly Invitae), Labcorp); PubMed 25099575 (cited by Labcorp Genetics (formerly Invitae), Labcorp).

NM_024675.4(PALB2):c.931A>T (p.Lys311Ter)

Gene: PALB2 (partner and localizer of BRCA2; minus strand). Cytogenetic location: 16p12.2.
Variant type: single nucleotide variant.
Coding change: c.931A>T on transcript NM_024675.4 (MANE Select); coding-DNA position 931, A replaced by T.
Protein change: p.Lys311Ter; replaces lysine 311 with a stop codon.
Molecular consequence: nonsense.
Genome position (GRCh38, 1-based): chr16:23,635,615, T>A on the plus strand (A>T on the coding strand, the complement: PALB2 is on the minus strand). VCF-style: chr16-23635615-T-A. GRCh37 (hg19) VCF-style: chr16-23646936-T-A.
Other names: short protein forms K311*.
Identifiers: ClinVar variation 402311 (VCV000402311.9), dbSNP rs1060499831, ClinGen allele CA16609604.
Genomic context (GRCh38, chr16:23,635,615, plus strand): 5'-CATTTAGAGAACATGAAATATTTGCCTCTAAATTAGAACTTGTGGGCAGTTGGCCACTTT[T>A]ACTTATAGCTTTATTTACAAGGAGGTTATCTGTAGAGACAGTCATTTTTTTGCCTTGTGC-3'